The following is an entry in ClinVar:

ClinVar aggregate classification (germline): Uncertain significance (1 of 4 stars; one submission).

Conditions:
ANKRD1-related dilated cardiomyopathy. Identifiers: MedGen CN119551.

Submission:

Labcorp Genetics (formerly Invitae), Labcorp
Classification: Uncertain significance for ANKRD1-related dilated cardiomyopathy. Last evaluated: 2023-05-18. Review status: criteria provided, single submitter. Criteria: Invitae Variant Classification Sherloc (09022015). Collection method: clinical testing. Allele origin: germline.
Comment: In summary, the available evidence is currently insufficient to determine the role of this variant in disease. Therefore, it has been classified as a Variant of Uncertain Significance. Algorithms developed to predict the effect of sequence changes on RNA splicing suggest that this variant may create or strengthen a splice site. This variant is not present in population databases (gnomAD no frequency). This sequence change creates a premature translational stop signal (p.Leu199Hisfs*10) in the ANKRD1 gene. It is expected to result in an absent or disrupted protein product. However, the current clinical and genetic evidence is not sufficient to establish whether loss-of-function variants in ANKRD1 cause disease. This variant has not been reported in the literature in individuals affected with ANKRD1-related conditions.

NM_014391.3(ANKRD1):c.596_599delinsACGGC (p.Leu199fs)

Gene: ANKRD1 (ankyrin repeat domain 1; minus strand). Cytogenetic location: 10q23.31.
Variant type: Indel.
Coding change: c.596_599delinsACGGC on transcript NM_014391.3 (MANE Select); coding-DNA positions 596 to 599, TGGA replaced by ACGGC.
Protein change: p.Leu199fs; shifts the reading frame from leucine 199.
Molecular consequence: frameshift variant.
Genome position (GRCh38, 1-based): chr10:90,916,223-90,916,226, TCCA replaced by GCCGT on the plus strand (TGGA replaced by ACGGC on the coding strand, the reverse complement: ANKRD1 is on the minus strand). VCF-style: chr10-90916223-TCCA-GCCGT. GRCh37 (hg19) VCF-style: chr10-92675980-TCCA-GCCGT.
Other names: short protein forms L199fs.
Identifiers: ClinVar variation 967765 (VCV000967765.7), dbSNP rs1847372711, ClinGen allele CA1139661622.